The following is an entry in ClinVar:

ClinVar aggregate classification (germline): Pathogenic. Review status: criteria provided, multiple submitters, no conflicts (2 of 4 stars). 3 submissions from 3 submitters: Pathogenic (3). Last evaluated 2024-10-18.

Conditions:
LAMA2-related muscular dystrophy (LAMA2-RD). Also called: Laminin alpha 2-related dystrophy. Identifiers: MedGen C5679788, MONDO:0100228.

Allele frequency attached by ClinVar (database versions not stated): gnomAD 0.00001; gnomAD exomes 0.00001.
gnomAD v4.1: 12 of 1,611,544 alleles (0.00074%); highest among the groups gnomAD compares: Admixed American, 0.0017%; no homozygotes.

Submissions (3):

Women's Health and Genetics/Laboratory Corporation of America, LabCorp
Classification: Pathogenic for LAMA2-related muscular dystrophy. Last evaluated: 2024-10-18. Review status: criteria provided, single submitter. Criteria: LabCorp Variant Classification Summary - May 2015. Collection method: clinical testing. Allele origin: germline.
Comment: Variant summary: LAMA2 c.7071G>A (p.Trp2357X) results in a premature termination codon, predicted to cause a truncation of the encoded protein or absence of the protein due to nonsense mediated decay, which are commonly known mechanisms for disease. The variant was absent in 250808 control chromosomes (gnomAD). c.7071G>A has been reported in the literature in individuals affected with Laminin Alpha 2-Related Dystrophy (e.g. Stehlikova_2016). To our knowledge, no experimental evidence demonstrating an impact on protein function has been reported. The following publication have been ascertained in the context of this evaluation (PMID: 27447704). ClinVar contains an entry for this variant (Variation ID: 1218589). Based on the evidence outlined above, the variant was classified as pathogenic.

Labcorp Genetics (formerly Invitae), Labcorp
Classification: Pathogenic for LAMA2-related muscular dystrophy. Last evaluated: 2023-11-24. Review status: criteria provided, single submitter. Criteria: Invitae Variant Classification Sherloc (09022015). Collection method: clinical testing. Allele origin: germline.
Comment: This sequence change creates a premature translational stop signal (p.Trp2357*) in the LAMA2 gene. It is expected to result in an absent or disrupted protein product. Loss-of-function variants in LAMA2 are known to be pathogenic (PMID: 18700894, 32904964). The frequency data for this variant in the population databases is considered unreliable, as metrics indicate poor data quality at this position in the gnomAD database. This premature translational stop signal has been observed in individual(s) with autosomal recessive congenital muscular dystrophy (PMID: 27447704). ClinVar contains an entry for this variant (Variation ID: 1218589). For these reasons, this variant has been classified as Pathogenic.

GeneDx
Classification: Pathogenic. Last evaluated: 2020-05-28. Review status: criteria provided, single submitter. Criteria: GeneDx Variant Classification Process June 2021. Collection method: clinical testing. Allele origin: germline. Affected: yes.
Comment: Identified with a second nonsense variant in a patient with congenital muscular dystrophy in the published literature (Stehlikova et al., 2016), but it is not known whether the variants occurred on the same (in cis) or on different (in trans) chromosomes; Nonsense variant predicted to result in protein truncation or nonsense mediated decay in a gene for which loss-of-function is a known mechanism of disease; Not observed at a significant frequency in large population cohorts (Lek et al., 2016); This variant is associated with the following publications: (PMID: 30055037, 27447704)

Literature cited by the submitters: PubMed 27447704 (cited by Women's Health and Genetics/Laboratory Corporation of America, LabCorp and Labcorp Genetics (formerly Invitae), Labcorp); PubMed 18700894 (cited by Labcorp Genetics (formerly Invitae), Labcorp); PubMed 32904964 (cited by Labcorp Genetics (formerly Invitae), Labcorp).

NM_000426.4(LAMA2):c.7071G>A (p.Trp2357Ter)

Gene: LAMA2 (laminin subunit alpha 2; plus strand). Cytogenetic location: 6q22.33.
Variant type: single nucleotide variant.
Coding change: c.7071G>A on transcript NM_000426.4 (MANE Select); coding-DNA position 7071, G replaced by A.
Protein change: p.Trp2357Ter; replaces tryptophan 2357 with a stop codon.
Molecular consequence: nonsense.
Genome position (GRCh38, 1-based): chr6:129,464,368, G>A. VCF-style: chr6-129464368-G-A. GRCh37 (hg19) VCF-style: chr6-129785513-G-A.
Other names: c.7071G>A, p.Trp2357Ter (NM_001079823.2); short protein forms W2357*.
Identifiers: ClinVar variation 1218589 (VCV001218589.7), dbSNP rs1276312596, ClinGen allele CA365620472.